The following is an entry in ClinVar:

NM_017654.4(SAMD9):c.1769T>C (p.Leu590Pro)

Gene: SAMD9 (sterile alpha motif domain containing 9; minus strand). Cytogenetic location: 7q21.2.
Variant type: single nucleotide variant.
Coding change: c.1769T>C on transcript NM_017654.4 (MANE Select); coding-DNA position 1769, T replaced by C.
Protein change: p.Leu590Pro; replaces leucine 590 with proline.
Molecular consequence: missense variant.
Genome position (GRCh38, 1-based): chr7:93,104,329, A>G on the plus strand (T>C on the coding strand, the complement: SAMD9 is on the minus strand). VCF-style: chr7-93104329-A-G. GRCh37 (hg19) VCF-style: chr7-92733642-A-G.
Other names: c.1769T>C, p.Leu590Pro (NM_001193307.2); short protein forms L590P.
Identifiers: ClinVar variation 4843117 (VCV004843117.2).

ClinVar aggregate classification (germline): Uncertain significance. Review status: criteria provided, multiple submitters, no conflicts (2 of 4 stars). 2 submissions from 2 submitters: Uncertain significance (2). Last evaluated 2025-12-20.

Conditions:
Inborn genetic diseases. Identifiers: MedGen C0950123, MeSH D030342.

Submissions (2):

Ambry Genetics
Classification: Uncertain significance for Inborn genetic diseases. Last evaluated: 2025-12-20. Review status: criteria provided, single submitter. Criteria: Ambry Variant Classification Scheme 2023. Collection method: clinical testing. Allele origin: germline.
Comment: The p.L590P variant (also known as c.1769T>C), located in coding exon 1 of the SAMD9 gene, results from a T to C substitution at nucleotide position 1769. The leucine at codon 590 is replaced by proline, an amino acid with similar properties. This amino acid position is conserved. In addition, the in silico prediction for this alteration is inconclusive. Based on the available evidence, the clinical significance of this variant remains unclear.

Blueprint Genetics
Classification: Uncertain significance. Last evaluated: 2024-05-03. Review status: criteria provided, single submitter. Criteria: ACMG Guidelines, 2015. Collection method: clinical testing. Allele origin: germline.